The following is an entry in ClinVar:

NM_003128.3(SPTBN1):c.656T>C (p.Leu219Pro)

Gene: SPTBN1 (spectrin beta, non-erythrocytic 1; plus strand). Cytogenetic location: 2p16.2.
Variant type: single nucleotide variant.
Coding change: c.656T>C on transcript NM_003128.3 (MANE Select); coding-DNA position 656, T replaced by C.
Protein change: p.Leu219Pro; replaces leucine 219 with proline.
Molecular consequence: missense variant.
Genome position (GRCh38, 1-based): chr2:54,618,086, T>C. VCF-style: chr2-54618086-T-C. GRCh37 (hg19) VCF-style: chr2-54845223-T-C.
Other names: c.617T>C, p.Leu206Pro (NM_178313.3); short protein forms L206P, L219P.
Identifiers: ClinVar variation 4535053 (VCV004535053.6).

ClinVar aggregate classification (germline): Uncertain significance (1 of 4 stars; one submission).

Submission:

CeGaT Center for Human Genetics Tuebingen
Classification: Uncertain significance. Last evaluated: 2025-10-01. Review status: criteria provided, single submitter. Criteria: CeGaT Center For Human Genetics Tuebingen Variant Classification Criteria Version 2. Collection method: clinical testing. Allele origin: germline. Affected: yes. Observed: 1 variant allele.
Comment: SPTBN1: PM2, PP2, PP3